The following is an entry in ClinVar:

ClinVar aggregate classification (germline): Uncertain significance. Review status: criteria provided, multiple submitters, no conflicts (2 of 4 stars). 2 submissions from 2 submitters: Uncertain significance (2). Last evaluated 2022-05-17.

Conditions:
Inborn genetic diseases. Identifiers: MedGen C0950123, MeSH D030342.

Allele frequency attached by ClinVar (database versions not stated): gnomAD 0.00001; gnomAD exomes 0.00001; ExAC 0.00002; TOPMed 0.00004; ESP Exome Variant Server 0.00008.
gnomAD v4.1: 10 of 1,586,516 alleles (0.00063%); highest among the groups gnomAD compares: African/African-American, 0.0014%; no homozygotes.

Submissions (2):

Labcorp Genetics (formerly Invitae), Labcorp
Classification: Uncertain significance. Last evaluated: 2022-05-17. Review status: criteria provided, single submitter. Criteria: Invitae Variant Classification Sherloc (09022015). Collection method: clinical testing. Allele origin: germline.
Comment: This sequence change replaces tyrosine, which is neutral and polar, with cysteine, which is neutral and slightly polar, at codon 910 of the GRM7 protein (p.Tyr910Cys). The frequency data for this variant in the population databases is considered unreliable, as metrics indicate poor data quality at this position in the gnomAD database. This variant has not been reported in the literature in individuals affected with GRM7-related conditions. Algorithms developed to predict the effect of missense changes on protein structure and function (SIFT, PolyPhen-2, Align-GVGD) all suggest that this variant is likely to be tolerated. In summary, the available evidence is currently insufficient to determine the role of this variant in disease. Therefore, it has been classified as a Variant of Uncertain Significance.

Ambry Genetics
Classification: Uncertain significance for Inborn genetic diseases. Last evaluated: 2021-09-30. Review status: criteria provided, single submitter. Criteria: Ambry Variant Classification Scheme 2023. Collection method: clinical testing. Allele origin: germline.

NM_000844.4(GRM7):c.2729A>G (p.Tyr910Cys)

Gene: GRM7 (glutamate metabotropic receptor 7; plus strand). Cytogenetic location: 3p26.1.
Variant type: single nucleotide variant.
Coding change: c.2729A>G on transcript NM_000844.4 (MANE Select); coding-DNA position 2729, A replaced by G.
Protein change: p.Tyr910Cys; replaces tyrosine 910 with cysteine.
Molecular consequence: missense variant. On other transcripts: 3 prime UTR variant (1).
Genome position (GRCh38, 1-based): chr3:7,740,387, A>G. VCF-style: chr3-7740387-A-G. GRCh37 (hg19) VCF-style: chr3-7782074-A-G.
Other names: c.*52A>G (NM_181874.3); short protein forms Y910C.
Identifiers: ClinVar variation 1904733 (VCV001904733.3), dbSNP rs369996819, ClinGen allele CA2235253.